The following is an entry in ClinVar:

ClinVar aggregate classification (germline): Uncertain significance. Review status: criteria provided, multiple submitters, no conflicts (2 of 4 stars). 3 submissions from 3 submitters: Uncertain significance (3). Last evaluated 2025-01-27.

Conditions:
Inborn genetic diseases. Identifiers: MedGen C0950123, MeSH D030342.

Allele frequency attached by ClinVar (database versions not stated): gnomAD exomes 0.00003; gnomAD 0.00004 and 0.00006; ExAC 0.00005; TOPMed 0.00006.
gnomAD v4.1: 59 of 1,613,410 alleles (0.0037%); highest among the groups gnomAD compares: Middle Eastern, 0.016%; no homozygotes.

Submissions (3):

Labcorp Genetics (formerly Invitae), Labcorp
Classification: Uncertain significance. Last evaluated: 2025-01-27. Review status: criteria provided, single submitter. Criteria: Invitae Variant Classification Sherloc (09022015). Collection method: clinical testing. Allele origin: germline.
Comment: This sequence change replaces arginine, which is basic and polar, with tryptophan, which is neutral and slightly polar, at codon 117 of the ADAM9 protein (p.Arg117Trp). This variant is present in population databases (rs753966173, gnomAD 0.02%). This variant has not been reported in the literature in individuals affected with ADAM9-related conditions. ClinVar contains an entry for this variant (Variation ID: 853335). Invitae Evidence Modeling of protein sequence and biophysical properties (such as structural, functional, and spatial information, amino acid conservation, physicochemical variation, residue mobility, and thermodynamic stability) indicates that this missense variant is not expected to disrupt ADAM9 protein function with a negative predictive value of 80%. In summary, the available evidence is currently insufficient to determine the role of this variant in disease. Therefore, it has been classified as a Variant of Uncertain Significance.

Ambry Genetics
Classification: Uncertain significance for Inborn genetic diseases. Last evaluated: 2024-05-02. Review status: criteria provided, single submitter. Criteria: Ambry Variant Classification Scheme 2023. Collection method: clinical testing. Allele origin: germline.

Blueprint Genetics
Classification: Uncertain significance. Last evaluated: 2024-03-11. Review status: criteria provided, single submitter. Criteria: ACMG Guidelines, 2015. Collection method: clinical testing. Allele origin: germline.

NM_003816.3(ADAM9):c.349C>T (p.Arg117Trp)

Gene: ADAM9 (ADAM metallopeptidase domain 9; plus strand). Cytogenetic location: 8p11.22.
Variant type: single nucleotide variant.
Coding change: c.349C>T on transcript NM_003816.3 (MANE Select); coding-DNA position 349, C replaced by T.
Protein change: p.Arg117Trp; replaces arginine 117 with tryptophan.
Molecular consequence: missense variant. On other transcripts: non-coding transcript variant (3).
Genome position (GRCh38, 1-based): chr8:39,016,133, C>T. VCF-style: chr8-39016133-C-T. GRCh37 (hg19) VCF-style: chr8-38873652-C-T.
Other names: short protein forms R117W.
Identifiers: ClinVar variation 853335 (VCV000853335.7), dbSNP rs753966173, ClinGen allele CA4721320.